The following is an entry in ClinVar:

NM_003235.5(TG):c.967G>T (p.Gly323Cys)

Gene: TG (thyroglobulin; plus strand). Cytogenetic location: 8q24.22.
Variant type: single nucleotide variant.
Coding change: c.967G>T on transcript NM_003235.5 (MANE Select); coding-DNA position 967, G replaced by T.
Protein change: p.Gly323Cys; replaces glycine 323 with cysteine.
Molecular consequence: missense variant.
Genome position (GRCh38, 1-based): chr8:132,882,891, G>T. VCF-style: chr8-132882891-G-T. GRCh37 (hg19) VCF-style: chr8-133895136-G-T.
Other names: short protein forms G323C.
Identifiers: ClinVar variation 4526002 (VCV004526002.1).

ClinVar aggregate classification (germline): Uncertain significance (1 of 4 stars; one submission).

Submission:

Women's Health and Genetics/Laboratory Corporation of America, LabCorp
Classification: Uncertain significance. Last evaluated: 2025-07-10. Review status: criteria provided, single submitter. Criteria: LabCorp Variant Classification Summary - May 2015. Collection method: clinical testing. Allele origin: germline.
Comment: Variant summary: TG c.967G>T (p.Gly323Cys) results in a non-conservative amino acid change in the encoded protein sequence. Algorithms developed to predict the effect of missense changes on protein structure and function all suggest that this variant is likely to be disruptive. The variant was absent in 251442 control chromosomes (gnomAD). The available data on variant occurrences in the general population are insufficient to allow any conclusion about variant significance. c.967G>T has been observed in one individual affected with congenital hypothyroidism (Kahara_2012). These data do not allow any conclusion about variant significance. To our knowledge, no experimental evidence demonstrating an impact on protein function has been reported. The following publication have been ascertained in the context of this evaluation (PMID: 22934199). No submitters have cited clinical-significance assessments for this variant to ClinVar. Based on the evidence outlined above, the variant was classified as uncertain significance.

Literature cited by the submitters: PubMed 22934199.